The following is an entry in ClinVar:

ClinVar aggregate classification (germline): Uncertain significance (1 of 4 stars; one submission).

Allele frequency attached by ClinVar (database versions not stated): gnomAD exomes 0.00001 and 0.00002; ExAC 0.00002; TOPMed 0.00002.
gnomAD v4.1: 6 of 1,352,842 alleles (0.00044%); highest among the groups gnomAD compares: Admixed American, 0.005%; no homozygotes.

Submission:

Labcorp Genetics (formerly Invitae), Labcorp
Classification: Uncertain significance. Last evaluated: 2022-08-16. Review status: criteria provided, single submitter. Criteria: Invitae Variant Classification Sherloc (09022015). Collection method: clinical testing. Allele origin: germline.
Comment: In summary, the available evidence is currently insufficient to determine the role of this variant in disease. Therefore, it has been classified as a Variant of Uncertain Significance. Variants that disrupt the consensus splice site are a relatively common cause of aberrant splicing (PMID: 17576681, 9536098). Algorithms developed to predict the effect of sequence changes on RNA splicing suggest that this variant is not likely to affect RNA splicing. ClinVar contains an entry for this variant (Variation ID: 1488949). This variant has not been reported in the literature in individuals affected with MERTK-related conditions. This variant is present in population databases (rs755902954, gnomAD 0.009%). This sequence change falls in intron 12 of the MERTK gene. It does not directly change the encoded amino acid sequence of the MERTK protein. It affects a nucleotide within the consensus splice site.

Literature cited by the submitters: PubMed 17576681; PubMed 9536098.

NM_006343.3(MERTK):c.1786+6C>G

Gene: MERTK (MER proto-oncogene, tyrosine kinase; plus strand). Cytogenetic location: 2q13.
Variant type: single nucleotide variant.
Coding change: c.1786+6C>G on transcript NM_006343.3 (MANE Select); 6 bases into the intron after coding-DNA position 1786, C replaced by G.
Molecular consequence: intron variant.
Genome position (GRCh38, 1-based): chr2:112,003,193, C>G. VCF-style: chr2-112003193-C-G. GRCh37 (hg19) VCF-style: chr2-112760770-C-G.
Identifiers: ClinVar variation 1488949 (VCV001488949.5), dbSNP rs755902954, ClinGen allele CA1831535.